The following is an entry in ClinVar:

NM_003982.4(SLC7A7):c.1330C>T (p.Leu444Phe)

Gene: SLC7A7 (solute carrier family 7 member 7; minus strand). Cytogenetic location: 14q11.2.
Variant type: single nucleotide variant.
Coding change: c.1330C>T on transcript NM_003982.4 (MANE Select); coding-DNA position 1330, C replaced by T.
Protein change: p.Leu444Phe; replaces leucine 444 with phenylalanine.
Molecular consequence: missense variant.
Genome position (GRCh38, 1-based): chr14:22,774,032, G>A on the plus strand (C>T on the coding strand, the complement: SLC7A7 is on the minus strand). VCF-style: chr14-22774032-G-A. GRCh37 (hg19) VCF-style: chr14-23243241-G-A.
Other names: c.1330C>T, p.Leu444Phe (NM_001126105.3, NM_001126106.4); short protein forms L444F.
Identifiers: ClinVar variation 2186272 (VCV002186272.2), dbSNP rs758270248, ClinGen allele CA7104420.

ClinVar aggregate classification (germline): Uncertain significance. Review status: criteria provided, multiple submitters, no conflicts (2 of 4 stars). 2 submissions from 2 submitters: Uncertain significance (2). Last evaluated 2025-04-16.

Conditions:
Inborn genetic diseases. Identifiers: MedGen C0950123, MeSH D030342.
Lysinuric protein intolerance (LPI). Identifiers: Orphanet 470, MedGen C0268647, MONDO:0009109, OMIM 222700.

Allele frequency attached by ClinVar (database versions not stated): ExAC 0.00001; gnomAD 0.00001; gnomAD exomes 0.00001; TOPMed 0.00002.
gnomAD v4.1: 15 of 1,614,060 alleles (0.00093%); highest among the groups gnomAD compares: Non-Finnish European, 0.0012%; no homozygotes.

Submissions (2):

Ambry Genetics
Classification: Uncertain significance for Inborn genetic diseases. Last evaluated: 2025-04-16. Review status: criteria provided, single submitter. Criteria: Ambry Variant Classification Scheme 2023. Collection method: clinical testing. Allele origin: germline.

Labcorp Genetics (formerly Invitae), Labcorp
Classification: Uncertain significance for Lysinuric protein intolerance. Last evaluated: 2021-09-17. Review status: criteria provided, single submitter. Criteria: Invitae Variant Classification Sherloc (09022015). Collection method: clinical testing. Allele origin: germline.
Comment: This sequence change replaces leucine with phenylalanine at codon 444 of the SLC7A7 protein (p.Leu444Phe). The leucine residue is moderately conserved and there is a small physicochemical difference between leucine and phenylalanine. This variant is present in population databases (rs758270248, ExAC 0.001%). This variant has not been reported in the literature in individuals with SLC7A7-related conditions. Algorithms developed to predict the effect of missense changes on protein structure and function output the following: SIFT: "Tolerated"; PolyPhen-2: "Benign"; Align-GVGD: "Class C0". The phenylalanine amino acid residue is found in multiple mammalian species, suggesting that this missense change does not adversely affect protein function. These predictions have not been confirmed by published functional studies and their clinical significance is uncertain. In summary, the available evidence is currently insufficient to determine the role of this variant in disease. Therefore, it has been classified as a Variant of Uncertain Significance.